The following is an entry in ClinVar:

ClinVar aggregate classification (germline): Conflicting classifications of pathogenicity. Review status: criteria provided, conflicting classifications (1 of 4 stars). 4 submissions from 4 submitters: Uncertain significance (3); Likely benign (1). Last evaluated 2025-12-12.

Conditions:
SPG7-related disorder. Also called: SPG7-related condition.
Hereditary spastic paraplegia 7 (SPG7). Also called: Spastic paraplegia 7; Hereditary spastic paraplegia Paraplegin type; Autosomal recessive spastic paraplegia type 7; SPG7-related neurologic disorder; SPASTIC PARAPLEGIA 7, AUTOSOMAL RECESSIVE, WITH OR WITHOUT CEREBELLAR ATAXIA. Identifiers: Orphanet 99013, MedGen C1846564, MONDO:0011803, OMIM 607259.
Inborn genetic diseases. Identifiers: MedGen C0950123, MeSH D030342.

Allele frequency attached by ClinVar (database versions not stated): gnomAD 0.00001; gnomAD exomes 0.00001; TOPMed 0.00001.
gnomAD v4.1: 10 of 1,613,834 alleles (0.00062%); highest among the groups gnomAD compares: Middle Eastern, 0.017%; no homozygotes.

Submissions (4):

PreventionGenetics, part of Exact Sciences
Classification: Uncertain significance for SPG7-related condition. Last evaluated: 2025-12-12. Review status: criteria provided, single submitter. Criteria: ACMG Guidelines, 2015. Collection method: clinical testing. Allele origin: germline.
Comment: The SPG7 c.2290A>G variant is predicted to result in the amino acid substitution p.Ile764Val. To our knowledge, this variant has not been reported in the literature or in a large population database (gnomAD), indicating this variant is rare. At this time, the clinical significance of this variant is uncertain due to the absence of conclusive functional and genetic evidence.

Ambry Genetics
Classification: Likely benign for Inborn genetic diseases. Last evaluated: 2024-04-19. Review status: criteria provided, single submitter. Criteria: Ambry Variant Classification Scheme 2023. Collection method: clinical testing. Allele origin: germline.

Blueprint Genetics
Classification: Uncertain significance. Last evaluated: 2022-12-26. Review status: criteria provided, single submitter. Criteria: ACMG Guidelines, 2015. Collection method: clinical testing. Allele origin: germline.

Labcorp Genetics (formerly Invitae), Labcorp
Classification: Uncertain significance for Hereditary spastic paraplegia 7. Last evaluated: 2022-07-05. Review status: criteria provided, single submitter. Criteria: Invitae Variant Classification Sherloc (09022015). Collection method: clinical testing. Allele origin: germline.
Comment: Algorithms developed to predict the effect of sequence changes on RNA splicing suggest that this variant may create or strengthen a splice site. Advanced modeling of protein sequence and biophysical properties (such as structural, functional, and spatial information, amino acid conservation, physicochemical variation, residue mobility, and thermodynamic stability) performed at Invitae indicates that this missense variant is not expected to disrupt SPG7 protein function. ClinVar contains an entry for this variant (Variation ID: 1471998). This variant has not been reported in the literature in individuals affected with SPG7-related conditions. This variant is not present in population databases (gnomAD no frequency). This sequence change replaces isoleucine, which is neutral and non-polar, with valine, which is neutral and non-polar, at codon 764 of the SPG7 protein (p.Ile764Val). In summary, the available evidence is currently insufficient to determine the role of this variant in disease. Therefore, it has been classified as a Variant of Uncertain Significance.

NM_003119.4(SPG7):c.2290A>G (p.Ile764Val)

Gene: SPG7 (SPG7 matrix AAA peptidase subunit, paraplegin; plus strand). Cytogenetic location: 16q24.3.
Variant type: single nucleotide variant.
Coding change: c.2290A>G on transcript NM_003119.4 (MANE Select); coding-DNA position 2290, A replaced by G.
Protein change: p.Ile764Val; replaces isoleucine 764 with valine.
Molecular consequence: missense variant. On other transcripts: 3 prime UTR variant (1).
Genome position (GRCh38, 1-based): chr16:89,556,995, A>G. VCF-style: chr16-89556995-A-G. GRCh37 (hg19) VCF-style: chr16-89623403-A-G.
Other names: c.*68A>G (NM_001363850.1); c.2290A>G (NM_003119.3, NM_003119.2); short protein forms I764V.
Identifiers: ClinVar variation 1471998 (VCV001471998.9), dbSNP rs942740771, ClinGen allele CA286509904.